The following is an entry in ClinVar:

NM_007294.4(BRCA1):c.5278-13T>A

Gene: BRCA1 (BRCA1 DNA repair associated; minus strand). Cytogenetic location: 17q21.31.
Variant type: single nucleotide variant.
Coding change: c.5278-13T>A on transcript NM_007294.4 (MANE Select); 13 bases into the intron before coding-DNA position 5278, T replaced by A.
Molecular consequence: intron variant.
Genome position (GRCh38, 1-based): chr17:43,051,130, A>T on the plus strand (T>A on the coding strand, the complement: BRCA1 is on the minus strand). VCF-style: chr17-43051130-A-T. GRCh37 (hg19) VCF-style: chr17-41203147-A-T.
Other names: c.1825-13T>A (NM_001408458.1, NM_001408461.1, NM_001408464.1 and 7 more transcripts); c.4387-13T>A (NM_001407967.1); c.4897-13T>A (NM_001407959.1); c.5011-13T>A (NM_001407931.1, NM_001407932.1, NM_001407928.1 and 4 more transcripts); c.5134-13T>A (NM_001407747.1, NM_001407745.1, NM_001407737.1 and 21 more transcripts); c.4894-13T>A (NM_001407962.1, NM_001407960.1); c.1465-13T>A (NM_001408512.1); c.1588-13T>A (NM_001408510.1); and 74 more.
Identifiers: ClinVar variation 867939 (VCV000867939.8), dbSNP rs2051217574, ClinGen allele CA916081079.

ClinVar aggregate classification (germline): Likely benign (1 of 4 stars; one submission).

Conditions:
Hereditary breast ovarian cancer syndrome. Also called: Hereditary breast and ovarian cancer; Hereditary breast and ovarian cancer syndrome (HBOC); Breast and ovarian cancer; Hereditary breast and/or ovarian cancer syndrome; BRCA1- and BRCA2-Associated Hereditary Breast and Ovarian Cancer; Hereditary breast and ovarian cancer syndrome. Identifiers: Orphanet 145, MedGen C0677776, MeSH D061325, MONDO:0003582. Disease mechanism: loss of function.

Submissions (2):

Labcorp Genetics (formerly Invitae), Labcorp
Classification: Likely benign for Hereditary breast ovarian cancer syndrome. Last evaluated: 2022-01-23. Review status: criteria provided, single submitter. Criteria: Invitae Variant Classification Sherloc (09022015). Collection method: clinical testing. Allele origin: germline.

Brotman Baty Institute, University of Washington
No classification provided (evidence only). Condition: Breast-ovarian cancer, familial 1. Review status: no classification provided. Collection method: in vitro. Allele origin: not applicable. Functional consequence: functionally_normal. Not counted in ClinVar's aggregate classification.
ClinVar note: "not provided" was previously submitted as the classification for the variant. However, the classification appeared to be based only on an observation of functional data so it was converted to no classification on 2025-07-30.